The following is an entry in ClinVar:

NM_000038.6(APC):c.8209G>C (p.Glu2737Gln)

Gene: APC (APC regulator of WNT signaling pathway; plus strand). Cytogenetic location: 5q22.2.
Variant type: single nucleotide variant.
Coding change: c.8209G>C on transcript NM_000038.6 (MANE Select); coding-DNA position 8209, G replaced by C.
Protein change: p.Glu2737Gln; replaces glutamic acid 2737 with glutamine.
Molecular consequence: missense variant. On other transcripts: non-coding transcript variant (2).
Genome position (GRCh38, 1-based): chr5:112,843,803, G>C. VCF-style: chr5-112843803-G-C. GRCh37 (hg19) VCF-style: chr5-112179500-G-C.
Other names: c.8209G>C, p.Glu2737Gln (NM_001127510.3, NM_001354895.2, NM_001407450.1); c.8155G>C, p.Glu2719Gln (NM_001127511.3); c.8263G>C, p.Glu2755Gln (NM_001354896.2, NM_001407447.1, NM_001407448.1 and 1 more transcripts); c.8239G>C, p.Glu2747Gln (NM_001354897.2); c.8134G>C, p.Glu2712Gln (NM_001354898.2); c.8125G>C, p.Glu2709Gln (NM_001354899.2); c.8086G>C, p.Glu2696Gln (NM_001354900.2); c.8032G>C, p.Glu2678Gln (NM_001354901.2, NM_001407453.1); and 11 more; short protein forms E2353Q, E2454Q, E2577Q, E2608Q, E2611Q, E2636Q, E2646Q, E2654Q.
Identifiers: ClinVar variation 3387139 (VCV003387139.1).

ClinVar aggregate classification (germline): Uncertain significance (1 of 4 stars; one submission).

Conditions:
Classic or attenuated familial adenomatous polyposis. Identifiers: MedGen CN372698, MONDO:0021057.

Submission:

All of Us Research Program, National Institutes of Health
Classification: Uncertain significance for Classic or attenuated familial adenomatous polyposis. Last evaluated: 2024-02-22. Review status: criteria provided, single submitter. Criteria: ACMG Guidelines, 2015. Collection method: clinical testing. Allele origin: germline. Inheritance: Autosomal dominant inheritance. Observed: 1 variant allele, 1 heterozygote.
Comment: This missense variant replaces glutamic acid with glutamine at codon 2737 of the APC protein. Computational prediction suggests that this variant may not impact protein structure and function (internally defined REVEL score threshold <= 0.5, PMID: 27666373). To our knowledge, functional studies have not been reported for this variant. This variant has not been reported in individuals affected with APC-related disorders in the literature. This variant has not been identified in the general population by the Genome Aggregation Database (gnomAD). The available evidence is insufficient to determine the role of this variant in disease conclusively. Therefore, this variant is classified as a Variant of Uncertain Significance.

This study involves interpretation of variants in research participants for the purpose of population health screening. Participant phenotype was not available at the time of variant classification. Additional details can be found in publication PMID: 35346344, PMCID: PMC8962531